The following is an entry in ClinVar:

NM_000350.3(ABCA4):c.3637C>T (p.Leu1213Phe)

Genes: ABCA4 (ATP binding cassette subfamily A member 4; minus strand), LOC126805794 (BRD4-independent group 4 enhancer GRCh37_chr1:94502188-94503387; plus strand). Cytogenetic location: 1p22.1.
Variant type: single nucleotide variant.
Coding change: c.3637C>T on transcript NM_000350.3 (MANE Select); coding-DNA position 3637, C replaced by T.
Protein change: p.Leu1213Phe; replaces leucine 1213 with phenylalanine.
Molecular consequence: missense variant.
Genome position (GRCh38, 1-based): chr1:94,037,321, G>A on the plus strand (C>T on the coding strand, the complement: ABCA4 is on the minus strand). VCF-style: chr1-94037321-G-A. GRCh37 (hg19) VCF-style: chr1-94502877-G-A.
Other names: c.3415C>T, p.Leu1139Phe (NM_001425324.1); c.3637C>T (NM_000350.2); short protein forms L1213F, L1139F.
Identifiers: ClinVar variation 1421215 (VCV001421215.11), dbSNP rs142882518, ClinGen allele CA957861.

ClinVar aggregate classification (germline): Uncertain significance. Review status: criteria provided, multiple submitters, no conflicts (2 of 4 stars). 5 submissions from 5 submitters: Uncertain significance (4). 1 of the submissions does not count toward it. Last evaluated 2026-02-10.

Conditions:
ABCA4-related disorder. Also called: ABCA4-related disorders; ABCA4-related condition. Identifiers: MedGen CN239167.
Retinal dystrophy. Also called: Inherited retinal dystrophy. Identifiers: Orphanet 71862, MedGen C0854723, MeSH D058499, MONDO:0019118, HP:0000556.

Allele frequency attached by ClinVar (database versions not stated): gnomAD exomes 0.00002 and 0.00004; ExAC 0.00003; gnomAD 0.00005 and 0.00006; TOPMed 0.00005; ESP Exome Variant Server 0.00008.
gnomAD v4.1: 43 of 1,614,052 alleles (0.0027%); highest among the groups gnomAD compares: Middle Eastern, 0.13%; no homozygotes.

Submissions (5):

PreventionGenetics, part of Exact Sciences
Classification: Uncertain significance for ABCA4-related condition. Last evaluated: 2026-02-10. Review status: criteria provided, single submitter. Criteria: ACMG Guidelines, 2015. Collection method: clinical testing. Allele origin: germline.
Comment: The ABCA4 c.3637C>T variant is predicted to result in the amino acid substitution p.Leu1213Phe. This variant was reported, without a second plausible causative variant, in an individual with retinal dystrophy (supplementary data, Mihalich et al. 2024. PubMed ID: 38927702). This variant is reported in 0.0097% of alleles in individuals of Ashkenazi Jewish descent in gnomAD. At this time, the clinical significance of this variant is uncertain due to the absence of conclusive functional and genetic evidence.

Labcorp Genetics (formerly Invitae), Labcorp
Classification: Uncertain significance. Last evaluated: 2025-05-01. Review status: criteria provided, single submitter. Criteria: Invitae Variant Classification Sherloc (09022015). Collection method: clinical testing. Allele origin: germline.
Comment: This sequence change replaces leucine, which is neutral and non-polar, with phenylalanine, which is neutral and non-polar, at codon 1213 of the ABCA4 protein (p.Leu1213Phe). This variant is present in population databases (rs142882518, gnomAD 0.01%). This missense change has been observed in individual(s) with ABCA4-related conditions (PMID: 38927702). ClinVar contains an entry for this variant (Variation ID: 1421215). Invitae Evidence Modeling of protein sequence and biophysical properties (such as structural, functional, and spatial information, amino acid conservation, physicochemical variation, residue mobility, and thermodynamic stability) indicates that this missense variant is not expected to disrupt ABCA4 protein function with a negative predictive value of 95%. In summary, the available evidence is currently insufficient to determine the role of this variant in disease. Therefore, it has been classified as a Variant of Uncertain Significance.

Blueprint Genetics
Classification: Uncertain significance. Last evaluated: 2024-09-25. Review status: criteria provided, single submitter. Criteria: ACMG Guidelines, 2015. Collection method: clinical testing. Allele origin: germline.

Breakthrough Genomics
Classification: Uncertain significance. Review status: criteria provided, single submitter. Criteria: ACMG Guidelines, 2015. Collection method: not provided. Allele origin: germline. Inheritance: Autosomal recessive inheritance. Affected: yes.

Institute of Human Genetics, Univ. Regensburg, Univ. Regensburg
Classification: Uncertain significance for Retinal dystrophy. Last evaluated: 2023-01-01. Review status: no assertion criteria provided. Criteria: ACMG Guidelines, 2015. Collection method: clinical testing. Allele origin: germline. Affected: yes. Not counted in ClinVar's aggregate classification.

Literature cited by the submitters: PubMed 38927702 (cited by Labcorp Genetics (formerly Invitae), Labcorp).